The following is an entry in ClinVar:

NM_005996.4(TBX3):c.1463C>T (p.Ala488Val)

Gene: TBX3 (T-box transcription factor 3; minus strand). Cytogenetic location: 12q24.21.
Variant type: single nucleotide variant.
Coding change: c.1463C>T on transcript NM_005996.4 (MANE Select); coding-DNA position 1463, C replaced by T.
Protein change: p.Ala488Val; replaces alanine 488 with valine.
Molecular consequence: missense variant.
Genome position (GRCh38, 1-based): chr12:114,674,412, G>A on the plus strand (C>T on the coding strand, the complement: TBX3 is on the minus strand). VCF-style: chr12-114674412-G-A. GRCh37 (hg19) VCF-style: chr12-115112217-G-A.
Other names: c.1523C>T (NM_016569.3); c.1523C>T, p.Ala508Val (NM_016569.4); short protein forms A488V, A508V.
Identifiers: ClinVar variation 3966288 (VCV003966288.2).

ClinVar aggregate classification (germline): Uncertain significance. Review status: criteria provided, multiple submitters, no conflicts (2 of 4 stars). 2 submissions from 2 submitters: Uncertain significance (2). Last evaluated 2026-07-14.

Conditions:
TBX3-related disorder. Also called: TBX3-related condition.
Inborn genetic diseases. Identifiers: MedGen C0950123, MeSH D030342.

Submissions (2):

PreventionGenetics, part of Exact Sciences
Classification: Uncertain significance for TBX3-related condition. Last evaluated: 2026-07-14. Review status: criteria provided, single submitter. Criteria: ACMG Guidelines, 2015. Collection method: clinical testing. Allele origin: germline.
Comment: The TBX3 c.1523C>T variant is predicted to result in the amino acid substitution p.Ala508Val. To our knowledge, this variant has not been reported in the literature. This variant is reported in 0.002% of alleles in individuals of East Asian descent in gnomAD. At this time, the clinical significance of this variant is uncertain due to the absence of conclusive functional and genetic evidence.

Ambry Genetics
Classification: Uncertain significance for Inborn genetic diseases. Last evaluated: 2025-06-03. Review status: criteria provided, single submitter. Criteria: Ambry Variant Classification Scheme 2023. Collection method: clinical testing. Allele origin: germline.